The following is an entry in ClinVar:

NM_022081.6(HPS4):c.1504G>A (p.Ala502Thr)

Gene: HPS4 (HPS4 biogenesis of lysosomal organelles complex 3 subunit 2; minus strand). Cytogenetic location: 22q12.1.
Variant type: single nucleotide variant.
Coding change: c.1504G>A on transcript NM_022081.6 (MANE Select); coding-DNA position 1504, G replaced by A.
Protein change: p.Ala502Thr; replaces alanine 502 with threonine.
Molecular consequence: missense variant. On other transcripts: non-coding transcript variant (8).
Genome position (GRCh38, 1-based): chr22:26,464,126, C>T on the plus strand (G>A on the coding strand, the complement: HPS4 is on the minus strand). VCF-style: chr22-26464126-C-T. GRCh37 (hg19) VCF-style: chr22-26860092-C-T.
Other names: c.1504G>A, p.Ala502Thr (NM_001349896.1, NM_001349898.2, NM_001349899.2 and 4 more transcripts); c.1558G>A, p.Ala520Thr (NM_001349900.2, NM_001349901.1); c.1489G>A, p.Ala497Thr (NM_152841.2); short protein forms A497T, A502T, A520T.
Identifiers: ClinVar variation 1510112 (VCV001510112.6), dbSNP rs767852159, ClinGen allele CA10163305.

ClinVar aggregate classification (germline): Uncertain significance (1 of 4 stars; one submission).

Allele frequency attached by ClinVar (database versions not stated): TOPMed below 0.00001; ExAC 0.00001; gnomAD exomes 0.00002.
gnomAD v4.1: 57 of 1,614,264 alleles (0.0035%); highest among the groups gnomAD compares: Middle Eastern, 0.017%; no homozygotes.

Submission:

Labcorp Genetics (formerly Invitae), Labcorp
Classification: Uncertain significance. Last evaluated: 2022-08-23. Review status: criteria provided, single submitter. Criteria: Invitae Variant Classification Sherloc (09022015). Collection method: clinical testing. Allele origin: germline.
Comment: In summary, the available evidence is currently insufficient to determine the role of this variant in disease. Therefore, it has been classified as a Variant of Uncertain Significance. Algorithms developed to predict the effect of missense changes on protein structure and function (SIFT, PolyPhen-2, Align-GVGD) all suggest that this variant is likely to be tolerated. ClinVar contains an entry for this variant (Variation ID: 1510112). This variant has not been reported in the literature in individuals affected with HPS4-related conditions. This variant is present in population databases (rs767852159, gnomAD 0.01%). This sequence change replaces alanine, which is neutral and non-polar, with threonine, which is neutral and polar, at codon 502 of the HPS4 protein (p.Ala502Thr).